The following is an entry in ClinVar:

NM_001378030.1(CCDC78):c.1302G>C (p.Arg434Ser)

Gene: CCDC78 (coiled-coil domain containing 78; minus strand). Cytogenetic location: 16p13.3.
Variant type: single nucleotide variant.
Coding change: c.1302G>C on transcript NM_001378030.1 (MANE Select); coding-DNA position 1302, G replaced by C.
Protein change: p.Arg434Ser; replaces arginine 434 with serine.
Molecular consequence: missense variant. On other transcripts: non-coding transcript variant (5).
Genome position (GRCh38, 1-based): chr16:722,789, C>G on the plus strand (G>C on the coding strand, the complement: CCDC78 is on the minus strand). VCF-style: chr16-722789-C-G. GRCh37 (hg19) VCF-style: chr16-772789-C-G.
Other names: c.1298G>C, p.Gly433Ala (NM_001031737.3); c.1122G>C, p.Arg374Ser (NM_001378031.1); c.735G>C, p.Arg245Ser (NM_001378033.1); short protein forms G433A, R374S, R245S, R434S.
Identifiers: ClinVar variation 3828797 (VCV003828797.2).
Genomic context (GRCh38, chr16:722,789, plus strand): 5'-CACTTTCCAGGGGTCCCCTGCACCTGCCAGCTTCCTCAGCCTCAGGATTTCGTGCTTGTA[C>G]CTGCTCAGAGGAACCATGCTTAAGTGACTTGCCCAGCTGTGGACAGGTCTGCTTTTAGCG-3'
Protein context (NP_001364959.1, residues 424-444): LQEYVDQHLG[Arg434Ser]YKHEILRLRK

ClinVar aggregate classification (germline): Uncertain significance. Review status: criteria provided, multiple submitters, no conflicts (2 of 4 stars). 2 submissions from 2 submitters: Uncertain significance (2). Last evaluated 2025-04-14.

Conditions:
Inborn genetic diseases. Identifiers: MedGen C0950123, MeSH D030342.
Congenital myopathy with internal nuclei and atypical cores. Also called: Myopathy, centronuclear, 4. Identifiers: Orphanet 319160, MedGen C4707232, MONDO:0013890, OMIM 614807.

gnomAD v4.1: 5 of 1,612,540 alleles (0.00031%); highest among the groups gnomAD compares: Non-Finnish European, 0.00042%; no homozygotes.

Submissions (2):

Labcorp Genetics (formerly Invitae), Labcorp
Classification: Uncertain significance for Congenital myopathy with internal nuclei and atypical cores. Last evaluated: 2025-04-14. Review status: criteria provided, single submitter. Criteria: Invitae Variant Classification Sherloc (09022015). Collection method: clinical testing. Allele origin: germline.
Comment: This sequence change replaces glycine, which is neutral and non-polar, with alanine, which is neutral and non-polar, at codon 433 of the CCDC78 protein (p.Gly433Ala). This variant is not present in population databases (gnomAD no frequency). This variant has not been reported in the literature in individuals affected with CCDC78-related conditions. Experimental studies and prediction algorithms are not available or were not evaluated, and the functional significance of this variant is currently unknown. In summary, the available evidence is currently insufficient to determine the role of this variant in disease. Therefore, it has been classified as a Variant of Uncertain Significance.

Ambry Genetics
Classification: Uncertain significance for Inborn genetic diseases. Last evaluated: 2024-12-23. Review status: criteria provided, single submitter. Criteria: Ambry Variant Classification Scheme 2023. Collection method: clinical testing. Allele origin: germline.